The following is an entry in ClinVar:

NM_001220.5(CAMK2B):c.602-4G>A

Gene: CAMK2B (calcium/calmodulin dependent protein kinase II beta; minus strand). Cytogenetic location: 7p13.
Variant type: single nucleotide variant.
Coding change: c.602-4G>A on transcript NM_001220.5 (MANE Select); 4 bases into the intron before coding-DNA position 602, G replaced by A.
Molecular consequence: intron variant.
Genome position (GRCh38, 1-based): chr7:44,242,658, C>T on the plus strand (G>A on the coding strand, the complement: CAMK2B is on the minus strand). VCF-style: chr7-44242658-C-T. GRCh37 (hg19) VCF-style: chr7-44282257-C-T.
Other names: c.602-4G>A (NM_172084.3, NM_172080.3, NM_172083.3 and 6 more transcripts).
Identifiers: ClinVar variation 1577408 (VCV001577408.29), dbSNP rs200389446, ClinGen allele CA4240640.

ClinVar aggregate classification (germline): Benign/Likely benign. Review status: criteria provided, multiple submitters, no conflicts (2 of 4 stars). 3 submissions from 3 submitters: Benign (1); Likely benign (1). 1 of the submissions does not count toward it. Last evaluated 2025-12-03.

Conditions:
CAMK2B-related disorder. Also called: CAMK2B-related condition.

Allele frequency attached by ClinVar (database versions not stated): 1000 Genomes Project 30x 0.00031; 1000 Genomes Project 0.00040.
gnomAD v4.1: 249 of 1,603,324 alleles (0.016%); highest among the groups gnomAD compares: South Asian, 0.19%; 3 homozygotes.

Submissions (3):

Labcorp Genetics (formerly Invitae), Labcorp
Classification: Benign. Last evaluated: 2025-12-03. Review status: criteria provided, single submitter. Criteria: Invitae Variant Classification Sherloc (09022015). Collection method: clinical testing. Allele origin: germline.

CeGaT Center for Human Genetics Tuebingen
Classification: Likely benign. Last evaluated: 2024-04-01. Review status: criteria provided, single submitter. Criteria: CeGaT Center For Human Genetics Tuebingen Variant Classification Criteria Version 2. Collection method: clinical testing. Allele origin: germline. Affected: yes. Observed: 1 variant allele.
Comment: CAMK2B: BP4, BS1

PreventionGenetics, part of Exact Sciences
Classification: Likely benign for CAMK2B-related condition. Last evaluated: 2019-05-28. Review status: no assertion criteria provided. Collection method: clinical testing. Allele origin: germline. Not counted in ClinVar's aggregate classification.
Comment: This variant is classified as likely benign based on ACMG/AMP sequence variant interpretation guidelines (Richards et al. 2015 PMID: 25741868, with internal and published modifications).